The following is an entry in ClinVar:

NM_007214.5(SEC63):c.2034+6T>C

Gene: SEC63 (SEC63 protein translocation regulator; minus strand). Cytogenetic location: 6q21.
Variant type: single nucleotide variant.
Coding change: c.2034+6T>C on transcript NM_007214.5 (MANE Select); 6 bases into the intron after coding-DNA position 2034, T replaced by C.
Molecular consequence: intron variant.
Genome position (GRCh38, 1-based): chr6:107,876,558, A>G on the plus strand (T>C on the coding strand, the complement: SEC63 is on the minus strand). VCF-style: chr6-107876558-A-G. GRCh37 (hg19) VCF-style: chr6-108197762-A-G.
Identifiers: ClinVar variation 4707791 (VCV004707791.1).

ClinVar aggregate classification (germline): Uncertain significance (1 of 4 stars; one submission).

gnomAD v4.1: 2 of 1,530,802 alleles (0.00013%); highest among the groups gnomAD compares: African/African-American, 0.0014%; no homozygotes.

Submission:

Labcorp Genetics (formerly Invitae), Labcorp
Classification: Uncertain significance. Last evaluated: 2025-04-15. Review status: criteria provided, single submitter. Criteria: Invitae Variant Classification Sherloc (09022015). Collection method: clinical testing. Allele origin: germline.
Comment: This sequence change falls in intron 19 of the SEC63 gene. It does not directly change the encoded amino acid sequence of the SEC63 protein. It affects a nucleotide within the consensus splice site. This variant is not present in population databases (gnomAD no frequency). This variant has not been reported in the literature in individuals affected with SEC63-related conditions. Variants that disrupt the consensus splice site are a relatively common cause of aberrant splicing (PMID: 17576681, 9536098). Algorithms developed to predict the effect of sequence changes on RNA splicing suggest that this variant is not likely to affect RNA splicing. In summary, the available evidence is currently insufficient to determine the role of this variant in disease. Therefore, it has been classified as a Variant of Uncertain Significance.

Literature cited by the submitters: PubMed 17576681; PubMed 9536098.